The following is an entry in ClinVar:

NM_006231.4(POLE):c.577A>G (p.Ser193Gly)

Gene: POLE (DNA polymerase epsilon, catalytic subunit; minus strand). Cytogenetic location: 12q24.33.
Variant type: single nucleotide variant.
Coding change: c.577A>G on transcript NM_006231.4 (MANE Select); coding-DNA position 577, A replaced by G.
Protein change: p.Ser193Gly; replaces serine 193 with glycine.
Molecular consequence: missense variant.
Genome position (GRCh38, 1-based): chr12:132,679,498, T>C on the plus strand (A>G on the coding strand, the complement: POLE is on the minus strand). VCF-style: chr12-132679498-T-C. GRCh37 (hg19) VCF-style: chr12-133256084-T-C.
Other names: short protein forms S193G.
Identifiers: ClinVar variation 405716 (VCV000405716.18), dbSNP rs760588718, ClinGen allele CA6894284.
Genomic context (GRCh38, chr12:132,679,498, plus strand): 5'-CTCCTATCCATCTTGTCGTTCTGAACCGCTGATGCTTTGCTCACAAGACCAAAGTTTACC[T>C]GGAAAGCAGAGCTGTGTACGCGTCGCTGGCGTGATCCTGCTCCCTGTTCTTCTTCACGGC-3'
Protein context (NP_006222.2, residues 183-203): ASDAYTALLS[Ser193Gly]VLQRGGVITD

ClinVar aggregate classification (germline): Uncertain significance. Review status: criteria provided, multiple submitters, no conflicts (2 of 4 stars). 4 submissions from 4 submitters: Uncertain significance (4). Last evaluated 2026-01-18.

Conditions:
Hereditary cancer-predisposing syndrome. Also called: Hereditary Cancer Syndrome; Hereditary neoplastic syndrome; Neoplastic Syndromes, Hereditary; Tumor predisposition. Identifiers: Orphanet 140162, MedGen C0027672, MeSH D009386, MONDO:0015356.
Colorectal cancer, susceptibility to, 12 (CRCS12). Also called: COLORECTAL CANCER, SUSCEPTIBILITY TO, ON CHROMOSOME 12q24. Identifiers: Orphanet 220460, MedGen C3554460, MONDO:0014038, OMIM 615083.

Allele frequency attached by ClinVar (database versions not stated): gnomAD exomes below 0.00001 and 0.00001; ExAC 0.00001; gnomAD 0.00001; TOPMed 0.00001.
gnomAD v4.1: 11 of 1,599,800 alleles (0.00069%); highest among the groups gnomAD compares: Admixed American, 0.0017%; no homozygotes.

Submissions (4):

Labcorp Genetics (formerly Invitae), Labcorp
Classification: Uncertain significance. Last evaluated: 2026-01-18. Review status: criteria provided, single submitter. Criteria: Invitae Variant Classification Sherloc (09022015). Collection method: clinical testing. Allele origin: germline.
Comment: This sequence change replaces serine, which is neutral and polar, with glycine, which is neutral and non-polar, at codon 193 of the POLE protein (p.Ser193Gly). This variant is present in population databases (rs760588718, gnomAD 0.0009%). This variant has not been reported in the literature in individuals affected with POLE-related conditions. ClinVar contains an entry for this variant (Variation ID: 405716). An algorithm developed to predict the effect of missense changes on protein structure and function (PolyPhen-2) suggests that this variant is likely to be tolerated. Studies have shown that this missense change is associated with inconclusive levels of altered splicing (internal data). In summary, the available evidence is currently insufficient to determine the role of this variant in disease. Therefore, it has been classified as a Variant of Uncertain Significance.

Ambry Genetics
Classification: Uncertain significance for Hereditary cancer-predisposing syndrome. Last evaluated: 2025-04-09. Review status: criteria provided, single submitter. Criteria: Ambry Variant Classification Scheme 2023. Collection method: clinical testing. Allele origin: germline.
Comment: The p.S193G variant (also known as c.577A>G), located in coding exon 6 of the POLE gene, results from an A to G substitution at nucleotide position 577. The serine at codon 193 is replaced by glycine, an amino acid with similar properties. This amino acid position is conserved. In addition, this alteration is predicted to be tolerated by in silico analysis. Based on the available evidence, the clinical significance of this variant remains unclear.

GeneDx
Classification: Uncertain significance. Last evaluated: 2023-07-30. Review status: criteria provided, single submitter. Criteria: GeneDx Variant Classification Process June 2021. Collection method: clinical testing. Allele origin: germline. Affected: yes.
Comment: Not observed at significant frequency in large population cohorts (gnomAD); In silico analysis supports that this missense variant does not alter protein structure/function; Observed in one unaffected control and in no cases in a study of ovarian cancer patients (Song et al., 2020); This variant is associated with the following publications: (PMID: 32546565)

St. Jude Molecular Pathology, St. Jude Children's Research Hospital
Classification: Uncertain significance for Colorectal cancer, susceptibility to, 12. Last evaluated: 2021-05-27. Review status: criteria provided, single submitter. Criteria: St. Jude Assertion Criteria 2020. Collection method: clinical testing. Allele origin: germline.
Comment: The POLE c.577A>G (p.Ser193Gly) missense change has a maximum subpopulation frequency of 0.00089% in gnomAD v2.1.1 (PM2_Supporting). Five of seven in silico tools predict a benign effect of this variant on protein function (BP4), but to our knowledge these predictions have not been confirmed by functional assays. This variant has been identified in a tumor with low tumor mutational burden (internal data). To our knowledge, this variant has not been reported in the literature in individuals with POLE-related disease. In summary, this variant meets criteria to be classified as of uncertain significance based on the ACMG/AMP criteria: PM2_Supporting, BP4.